The following is an entry in ClinVar:

NM_001358530.2(MOCS1):c.1548G>A (p.Pro516=)

Gene: MOCS1 (molybdenum cofactor synthesis 1; minus strand). Cytogenetic location: 6p21.2.
Variant type: single nucleotide variant.
Coding change: c.1548G>A on transcript NM_001358530.2 (MANE Select); coding-DNA position 1548, G replaced by A.
Protein change: p.Pro516=; no amino-acid change (proline 516 retained).
Molecular consequence: synonymous variant. On other transcripts: 3 prime UTR variant (4), non-coding transcript variant (1).
Genome position (GRCh38, 1-based): chr6:39,906,720, C>T on the plus strand (G>A on the coding strand, the complement: MOCS1 is on the minus strand). VCF-style: chr6-39906720-C-T. GRCh37 (hg19) VCF-style: chr6-39874496-C-T.
Other names: c.1548G>A (NM_001358530.1); c.*405G>A (NM_001075098.4, NM_001358533.2, NM_001358534.2 and 1 more transcripts); c.1500G>A, p.Pro500= (NM_001358529.2); c.1287G>A, p.Pro429= (NM_001358531.2).
Identifiers: ClinVar variation 1977715 (VCV001977715.7), dbSNP rs752893209, ClinGen allele CA3795927.

ClinVar aggregate classification (germline): Likely benign. Review status: criteria provided, single submitter (1 of 4 stars). 2 submissions from 2 submitters: Likely benign (1). 1 of the submissions does not count toward it. Last evaluated 2026-01-20.

Conditions:
MOCS1-related disorder. Also called: MOCS1-related condition.
Sulfite oxidase deficiency due to molybdenum cofactor deficiency type A. Also called: Molybdenum cofactor deficiency, complementation group A; Molybdenum Cofactor Deficiency A. Identifiers: Orphanet 308386, Orphanet 833, MedGen C1854988, MONDO:0009643, OMIM 252150.

Allele frequency attached by ClinVar (database versions not stated): TOPMed 0.00004; ExAC 0.00003; gnomAD 0.00004.
gnomAD v4.1: 34 of 1,614,050 alleles (0.0021%); highest among the groups gnomAD compares: Middle Eastern, 0.033%; 1 homozygote.

Submissions (2):

Labcorp Genetics (formerly Invitae), Labcorp
Classification: Likely benign for Sulfite oxidase deficiency due to molybdenum cofactor deficiency type A. Last evaluated: 2026-01-20. Review status: criteria provided, single submitter. Criteria: Invitae Variant Classification Sherloc (09022015). Collection method: clinical testing. Allele origin: germline.

PreventionGenetics, part of Exact Sciences
Classification: Likely benign for MOCS1-related condition. Last evaluated: 2022-05-02. Review status: no assertion criteria provided. Collection method: clinical testing. Allele origin: germline. Not counted in ClinVar's aggregate classification.
Comment: This variant is classified as likely benign based on ACMG/AMP sequence variant interpretation guidelines (Richards et al. 2015 PMID: 25741868, with internal and published modifications).